The following is an entry in ClinVar:

NM_018489.3(ASH1L):c.5918C>T (p.Ser1973Phe)

Gene: ASH1L (ASH1 like histone lysine methyltransferase; minus strand). Cytogenetic location: 1q22.
Variant type: single nucleotide variant.
Coding change: c.5918C>T on transcript NM_018489.3 (MANE Select); coding-DNA position 5918, C replaced by T.
Protein change: p.Ser1973Phe; replaces serine 1973 with phenylalanine.
Molecular consequence: missense variant.
Genome position (GRCh38, 1-based): chr1:155,415,834, G>A on the plus strand (C>T on the coding strand, the complement: ASH1L is on the minus strand). VCF-style: chr1-155415834-G-A. GRCh37 (hg19) VCF-style: chr1-155385625-G-A.
Other names: c.5918C>T, p.Ser1973Phe (NM_001366177.2); short protein forms S1973F.
Identifiers: ClinVar variation 1704183 (VCV001704183.7), dbSNP rs2526461133, ClinGen allele CA342676767.

ClinVar aggregate classification (germline): Uncertain significance. Review status: criteria provided, multiple submitters, no conflicts (2 of 4 stars). 3 submissions from 3 submitters: Uncertain significance (3). Last evaluated 2025-10-03.

Conditions:
Intellectual developmental disorder, autosomal dominant 52. Also called: Intellectual disability, autosomal dominant 52; Mental retardation, autosomal dominant 52. Identifiers: MedGen C4540478, MONDO:0030918, OMIM 617796.
Inborn genetic diseases. Identifiers: MedGen C0950123, MeSH D030342.

Submissions (3):

GeneDx
Classification: Uncertain significance. Last evaluated: 2025-10-03. Review status: criteria provided, single submitter. Criteria: GeneDx Variant Classification Process June 2021. Collection method: clinical testing. Allele origin: germline. Affected: yes.
Comment: Not observed at significant frequency in large population cohorts (gnomAD); In silico analysis supports that this missense variant has a deleterious effect on protein structure/function; Has not been previously published as pathogenic or benign to our knowledge

Genome-Nilou Lab
Classification: Uncertain significance for Intellectual developmental disorder, autosomal dominant 52. Last evaluated: 2023-04-11. Review status: criteria provided, single submitter. Criteria: ACMG Guidelines, 2015. Collection method: clinical testing. Allele origin: germline. Affected: no.

Ambry Genetics
Classification: Uncertain significance for Inborn genetic diseases. Last evaluated: 2022-10-27. Review status: criteria provided, single submitter. Criteria: Ambry Variant Classification Scheme 2023. Collection method: clinical testing. Allele origin: germline.